The following is an entry in ClinVar:

ClinVar aggregate classification (germline): Uncertain significance. Review status: criteria provided, multiple submitters, no conflicts (2 of 4 stars). 2 submissions from 2 submitters: Uncertain significance (2). Last evaluated 2025-12-24.

Conditions:
Hereditary cancer-predisposing syndrome. Also called: Hereditary Cancer Syndrome; Hereditary neoplastic syndrome; Neoplastic Syndromes, Hereditary; Tumor predisposition. Identifiers: Orphanet 140162, MedGen C0027672, MeSH D009386, MONDO:0015356.
Retinoblastoma (RB1). Also called: RETINOBLASTOMA, SOMATIC. Identifiers: Orphanet 790, MedGen C0035335, MeSH D012175, MONDO:0008380, OMIM 180200, HP:0009919. Disease mechanism: loss of function. Inheritance: Both sporadic and heritable forms are tested..

Submissions (2):

Labcorp Genetics (formerly Invitae), Labcorp
Classification: Uncertain significance for Retinoblastoma. Last evaluated: 2025-12-24. Review status: criteria provided, single submitter. Criteria: Invitae Variant Classification Sherloc (09022015). Collection method: clinical testing. Allele origin: germline.
Comment: This sequence change replaces isoleucine, which is neutral and non-polar, with leucine, which is neutral and non-polar, at codon 785 of the RB1 protein (p.Ile785Leu). This variant is not present in population databases (gnomAD no frequency). This variant has not been reported in the literature in individuals affected with RB1-related conditions. ClinVar contains an entry for this variant (Variation ID: 1434652). Invitae Evidence Modeling of protein sequence and biophysical properties (such as structural, functional, and spatial information, amino acid conservation, physicochemical variation, residue mobility, and thermodynamic stability) indicates that this missense variant is not expected to disrupt RB1 protein function with a negative predictive value of 80%. In summary, the available evidence is currently insufficient to determine the role of this variant in disease. Therefore, it has been classified as a Variant of Uncertain Significance.

Ambry Genetics
Classification: Uncertain significance for Hereditary cancer-predisposing syndrome. Last evaluated: 2024-03-04. Review status: criteria provided, single submitter. Criteria: Ambry Variant Classification Scheme 2023. Collection method: clinical testing. Allele origin: germline.
Comment: The p.I785L variant (also known as c.2353A>C), located in coding exon 23 of the RB1 gene, results from an A to C substitution at nucleotide position 2353. The isoleucine at codon 785 is replaced by leucine, an amino acid with highly similar properties. This amino acid position is conserved. In addition, the in silico prediction for this alteration is inconclusive. Based on the available evidence, the clinical significance of this alteration remains unclear.

NM_000321.3(RB1):c.2353A>C (p.Ile785Leu)

Gene: RB1 (RB transcriptional corepressor 1; plus strand). Cytogenetic location: 13q14.2.
Variant type: single nucleotide variant.
Coding change: c.2353A>C on transcript NM_000321.3 (MANE Select); coding-DNA position 2353, A replaced by C.
Protein change: p.Ile785Leu; replaces isoleucine 785 with leucine.
Molecular consequence: missense variant.
Genome position (GRCh38, 1-based): chr13:48,465,232, A>C. VCF-style: chr13-48465232-A-C. GRCh37 (hg19) VCF-style: chr13-49039368-A-C.
Other names: c.2353A>C (NM_000321.2); short protein forms I785L.
Identifiers: ClinVar variation 1434652 (VCV001434652.9), dbSNP rs2138345573, ClinGen allele CA388167805.